The following is an entry in ClinVar:

NM_023936.2(MRPS34):c.117G>C (p.Glu39Asp)

Genes: EME2 (essential meiotic structure-specific endonuclease subunit 2; plus strand), MRPS34 (mitochondrial ribosomal protein S34; minus strand). Cytogenetic location: 16p13.3.
Variant type: single nucleotide variant.
Coding change: c.117G>C on transcript NM_023936.2 (MANE Select); coding-DNA position 117, G replaced by C.
Protein change: p.Glu39Asp; replaces glutamic acid 39 with aspartic acid.
Molecular consequence: missense variant. On other transcripts: 5 prime UTR variant (1).
Genome position (GRCh38, 1-based): chr16:1,773,003, C>G on the plus strand (G>C on the coding strand, the complement: MRPS34 is on the minus strand). VCF-style: chr16-1773003-C-G. GRCh37 (hg19) VCF-style: chr16-1823004-C-G.
Other names: c.-225C>G (NM_001257370.2); c.117G>C, p.Glu39Asp (NM_001300900.2); short protein forms E39D.
Identifiers: ClinVar variation 2178740 (VCV002178740.2), dbSNP rs916517837, ClinGen allele CA276723998.

ClinVar aggregate classification (germline): Uncertain significance. Review status: criteria provided, multiple submitters, no conflicts (2 of 4 stars). 2 submissions from 2 submitters: Uncertain significance (2). Last evaluated 2024-03-04.

Conditions:
Inborn genetic diseases. Identifiers: MedGen C0950123, MeSH D030342.

Allele frequency attached by ClinVar (database versions not stated): gnomAD exomes 0.00001; gnomAD 0.00002; TOPMed 0.00005.
gnomAD v4.1: 25 of 1,457,534 alleles (0.0017%); highest among the groups gnomAD compares: Middle Eastern, 0.018%; no homozygotes.

Submissions (2):

Ambry Genetics
Classification: Uncertain significance for Inborn genetic diseases. Last evaluated: 2024-03-04. Review status: criteria provided, single submitter. Criteria: Ambry Variant Classification Scheme 2023. Collection method: clinical testing. Allele origin: germline.

Labcorp Genetics (formerly Invitae), Labcorp
Classification: Uncertain significance. Last evaluated: 2022-03-20. Review status: criteria provided, single submitter. Criteria: Invitae Variant Classification Sherloc (09022015). Collection method: clinical testing. Allele origin: germline.
Comment: This sequence change replaces glutamic acid, which is acidic and polar, with aspartic acid, which is acidic and polar, at codon 39 of the MRPS34 protein (p.Glu39Asp). This variant is present in population databases (no rsID available, gnomAD 0.009%). This variant has not been reported in the literature in individuals affected with MRPS34-related conditions. Algorithms developed to predict the effect of missense changes on protein structure and function output the following: SIFT: "Tolerated"; PolyPhen-2: "Benign"; Align-GVGD: "Class C0". The aspartic acid amino acid residue is found in multiple mammalian species, which suggests that this missense change does not adversely affect protein function. In summary, the available evidence is currently insufficient to determine the role of this variant in disease. Therefore, it has been classified as a Variant of Uncertain Significance.